The following is an entry in ClinVar:

ClinVar aggregate classification (germline): Uncertain significance (1 of 4 stars; one submission).

Submission:

GeneDx
Classification: Uncertain significance. Last evaluated: 2025-09-03. Review status: criteria provided, single submitter. Criteria: GeneDx Variant Classification Process June 2021. Collection method: clinical testing. Allele origin: germline. Affected: yes.
Comment: Not observed at significant frequency in large population cohorts (gnomAD); Has not been previously published as pathogenic or benign to our knowledge; In silico analysis is inconclusive as to whether the variant alters gene splicing. In the absence of RNA/functional studies, the actual effect of this sequence change is unknown.; Located in a regulatory region

NM_001303052.2(MYT1L):c.1-11T>A

Gene: MYT1L (myelin transcription factor 1 like; minus strand). Cytogenetic location: 2p25.3.
Variant type: single nucleotide variant.
Coding change: c.1-11T>A on transcript NM_001303052.2 (MANE Select); 11 bases into the intron before coding-DNA position 1, T replaced by A.
Molecular consequence: intron variant.
Genome position (GRCh38, 1-based): chr2:1,979,788, A>T on the plus strand (T>A on the coding strand, the complement: MYT1L is on the minus strand). VCF-style: chr2-1979788-A-T. GRCh37 (hg19) VCF-style: chr2-1983560-A-T.
Other names: c.1-11T>A (NM_015025.4, NM_001329844.2, NM_001329847.2 and 6 more transcripts).
Identifiers: ClinVar variation 4813247 (VCV004813247.1).
Genomic context (GRCh38, chr2:1,979,788, plus strand): 5'-ACCCCTTTGGACCGCGTGCGATGCCGCTTCTCCTCGGTGTCCACCTCCATCTGGGGATAG[A>T]TTAGCAGCCATCAATGTGCTTATCCTGCCTGTGCAGGCCAGCCCTGCAGGGGCGGCTCAC-3'